The following is an entry in ClinVar:

NM_001005242.3(PKP2):c.2101G>T (p.Val701Leu)

Gene: PKP2 (plakophilin 2; minus strand). Cytogenetic location: 12p11.21.
Variant type: single nucleotide variant.
Coding change: c.2101G>T on transcript NM_001005242.3 (MANE Select); coding-DNA position 2101, G replaced by T.
Protein change: p.Val701Leu; replaces valine 701 with leucine.
Molecular consequence: missense variant.
Genome position (GRCh38, 1-based): chr12:32,802,469, C>A on the plus strand (G>T on the coding strand, the complement: PKP2 is on the minus strand). VCF-style: chr12-32802469-C-A. GRCh37 (hg19) VCF-style: chr12-32955403-C-A.
Other names: c.2233G>T, p.Val745Leu (NM_004572.4); short protein forms V745L, V701L.
Identifiers: ClinVar variation 961401 (VCV000961401.9), dbSNP rs757159896, ClinGen allele CA033669.

ClinVar aggregate classification (germline): Uncertain significance (1 of 4 stars; one submission).

Conditions:
Arrhythmogenic right ventricular dysplasia 9 (ARVD9). Also called: Arrhythmogenic Right Ventricular Dysplasia/Cardiomyopathy 9; ARRHYTHMOGENIC RIGHT VENTRICULAR DYSPLASIA, FAMILIAL, 9. Identifiers: MedGen C1836906, MONDO:0012180, OMIM 609040.

Allele frequency attached by ClinVar (database versions not stated): gnomAD exomes below 0.00001; TOPMed below 0.00001; ExAC 0.00001.
gnomAD v4.1: 1 of 1,614,118 alleles (0.000062%); highest among the groups gnomAD compares: Non-Finnish European, 0.000085%; no homozygotes.

Submission:

Labcorp Genetics (formerly Invitae), Labcorp
Classification: Uncertain significance for Arrhythmogenic right ventricular dysplasia 9. Last evaluated: 2025-12-22. Review status: criteria provided, single submitter. Criteria: Invitae Variant Classification Sherloc (09022015). Collection method: clinical testing. Allele origin: germline.
Comment: This sequence change replaces valine, which is neutral and non-polar, with leucine, which is neutral and non-polar, at codon 745 of the PKP2 protein (p.Val745Leu). This variant is present in population databases (rs757159896, gnomAD 0.0009%). This variant has not been reported in the literature in individuals affected with PKP2-related conditions. ClinVar contains an entry for this variant (Variation ID: 961401). An algorithm developed to predict the effect of missense changes on protein structure and function (PolyPhen-2) suggests that this variant is likely to be disruptive. In summary, the available evidence is currently insufficient to determine the role of this variant in disease. Therefore, it has been classified as a Variant of Uncertain Significance.